The following is an entry in ClinVar:

ClinVar aggregate classification (germline): Uncertain significance (1 of 4 stars; one submission).

Conditions:
Inborn genetic diseases. Identifiers: MedGen C0950123, MeSH D030342.

gnomAD v4.1: 1 of 1,614,042 alleles (0.000062%); highest among the groups gnomAD compares: Non-Finnish European, 0.000085%; no homozygotes.

Submission:

Ambry Genetics
Classification: Uncertain significance for Inborn genetic diseases. Last evaluated: 2025-09-27. Review status: criteria provided, single submitter. Criteria: Ambry Variant Classification Scheme 2023. Collection method: clinical testing. Allele origin: germline.
Comment: The p.L935Q variant (also known as c.2804T>A), located in coding exon 29 of the FANCA gene, results from a T to A substitution at nucleotide position 2804. The leucine at codon 935 is replaced by glutamine, an amino acid with dissimilar properties. This amino acid position is conserved. In addition, the in silico prediction for this alteration is inconclusive. Based on the available evidence, the clinical significance of this variant remains unclear.

NM_000135.4(FANCA):c.2804T>A (p.Leu935Gln)

Gene: FANCA (FA complementation group A; minus strand). Cytogenetic location: 16q24.3.
Variant type: single nucleotide variant.
Coding change: c.2804T>A on transcript NM_000135.4 (MANE Select); coding-DNA position 2804, T replaced by A.
Protein change: p.Leu935Gln; replaces leucine 935 with glutamine.
Molecular consequence: missense variant.
Genome position (GRCh38, 1-based): chr16:89,761,997, A>T on the plus strand (T>A on the coding strand, the complement: FANCA is on the minus strand). VCF-style: chr16-89761997-A-T. GRCh37 (hg19) VCF-style: chr16-89828405-A-T.
Other names: c.2804T>A, p.Leu935Gln (NM_001286167.3); short protein forms L935Q.
Identifiers: ClinVar variation 4619173 (VCV004619173.1).
Genomic context (GRCh38, chr16:89,761,997, plus strand): 5'-TTCAACACTTACCGTTCAGTATCTGAAAGAGCATCAGCTTCAGGTTGAATTTCCAGCTCC[A>T]GGTGTAACCAGTCTTGGTAAGTTAACTGAGAAAGAGAGCAAGCAATTCAATACAATGAGG-3'
Protein context (NP_000126.2, residues 925-945): VHLTYQDWLH[Leu935Gln]ELEIQPEADA